The following is an entry in ClinVar:

NM_001127255.2(NLRP7):c.2383C>T (p.Arg795Cys)

Genes: NLRP7 (NLR family pyrin domain containing 7; minus strand), NCR1 (natural cytotoxicity triggering receptor 1). Cytogenetic location: 19q13.42.
Variant type: single nucleotide variant.
Coding change: c.2383C>T on transcript NM_001127255.2 (MANE Select); coding-DNA position 2383, C replaced by T.
Protein change: p.Arg795Cys; replaces arginine 795 with cysteine.
Molecular consequence: missense variant.
Genome position (GRCh38, 1-based): chr19:54,934,577, G>A on the plus strand (C>T on the coding strand, the complement: NLRP7 is on the minus strand). VCF-style: chr19-54934577-G-A. GRCh37 (hg19) VCF-style: chr19-55445945-G-A.
Other names: c.2383C>T, p.Arg795Cys (NM_001405531.1, NM_206828.4); c.2299C>T, p.Arg767Cys (NM_139176.4); short protein forms R795C, R767C.
Identifiers: ClinVar variation 894775 (VCV000894775.8), dbSNP rs61742869, ClinGen allele CA310011255.

ClinVar aggregate classification (germline): Benign. Review status: criteria provided, single submitter (1 of 4 stars). 2 submissions from 2 submitters: Benign (1). 1 of the submissions does not count toward it. Last evaluated 2017-04-27.

Conditions:
NLRP7-related disorder. Also called: NLRP7-related condition.
Hydatidiform mole, recurrent, 1 (HYDM1). Identifiers: Orphanet 254688, Orphanet 99927, MedGen C3463897, MONDO:0009273, OMIM 231090. Disease mechanism: loss of function.

Allele frequency attached by ClinVar (database versions not stated): gnomAD exomes 0.00013 and 0.00045; ExAC 0.00054; gnomAD 0.00143 and 0.00147; TOPMed 0.00147; ESP Exome Variant Server 0.00169; 1000 Genomes Project 0.00339; 1000 Genomes Project 30x 0.00359.
gnomAD v4.1: 445 of 1,614,036 alleles (0.028%); highest among the groups gnomAD compares: African/African-American, 0.45%; 2 homozygotes.

Submissions (2):

Illumina Laboratory Services, Illumina
Classification: Benign for Hydatidiform mole, recurrent, 1. Last evaluated: 2017-04-27. Review status: criteria provided, single submitter. Criteria: ICSL Variant Classification Criteria 13 December 2019. Collection method: clinical testing. Allele origin: germline.
Comment: This variant was observed as part of a predisposition screen in an ostensibly healthy population. A literature search was performed for the gene, cDNA change, and amino acid change (where applicable). Publications were found based on this search. The evidence from the literature, in combination with allele frequency data from public databases where available, was sufficient to rule this variant out of causing disease. Therefore, this variant is classified as benign.

PreventionGenetics, part of Exact Sciences
Classification: Likely benign for NLRP7-related condition. Last evaluated: 2019-05-23. Review status: no assertion criteria provided. Collection method: clinical testing. Allele origin: germline. Not counted in ClinVar's aggregate classification.
Comment: This variant is classified as likely benign based on ACMG/AMP sequence variant interpretation guidelines (Richards et al. 2015 PMID: 25741868, with internal and published modifications).

Literature cited by the submitters: PubMed 21948117 (cited by Illumina Laboratory Services, Illumina).